The following is an entry in ClinVar:

NM_000136.3(FANCC):c.205C>T (p.Gln69Ter)

Gene: FANCC (FA complementation group C; minus strand). Cytogenetic location: 9q22.32.
Variant type: single nucleotide variant.
Coding change: c.205C>T on transcript NM_000136.3 (MANE Select); coding-DNA position 205, C replaced by T.
Protein change: p.Gln69Ter; replaces glutamine 69 with a stop codon.
Molecular consequence: nonsense.
Genome position (GRCh38, 1-based): chr9:95,247,477, G>A on the plus strand (C>T on the coding strand, the complement: FANCC is on the minus strand). VCF-style: chr9-95247477-G-A. GRCh37 (hg19) VCF-style: chr9-98009759-G-A.
Other names: c.205C>T, p.Gln69Ter (NM_001243743.2, NM_001243744.2); short protein forms Q69*.
Identifiers: ClinVar variation 5007475 (VCV005007475.2).

ClinVar aggregate classification (germline): Likely pathogenic (1 of 4 stars; one submission).

Conditions:
Fanconi anemia complementation group C (FANCC). Also called: FANCONI PANCYTOPENIA, TYPE 3; FACC; Fanconi anemia, group C; FANCC-Related Fanconi Anemia. Identifiers: Orphanet 84, MedGen C3468041, MONDO:0009213, OMIM 227645.

Submission:

Juno Genomics, Hangzhou Juno Genomics, Inc
Classification: Likely pathogenic for Fanconi anemia complementation group C. Review status: criteria provided, single submitter. Criteria: ACMG Guidelines, 2015. Collection method: clinical testing. Allele origin: germline.
Comment: Null variant in a gene where loss of function (LOF) is a known mechanism of disease.;Absent from controls (or at extremely low frequency if recessive) in Genome Aggregation Database.